The following is an entry in ClinVar:

NR_199791.1(RNU2-2):n.188C>T

Genes: RNU2-2 (RNA, U2 small nuclear 2; minus strand), WDR74 (WD repeat domain 74; minus strand). Cytogenetic location: 11q12.3.
Variant type: single nucleotide variant.
Molecular consequence: non-coding transcript variant (on NR_199791.1). On other transcripts: 5 prime UTR variant (1).
Genome position: GRCh38 VCF-style: chr11-62841622-G-A. GRCh37 (hg19) VCF-style: chr11-62609094-G-A.
Other names: c.-351C>T (NM_001369451.1).
Identifiers: ClinVar variation 4534710 (VCV004534710.6).

ClinVar aggregate classification (germline): Likely benign (1 of 4 stars; one submission).

Submission:

CeGaT Center for Human Genetics Tuebingen
Classification: Likely benign. Last evaluated: 2025-10-01. Review status: criteria provided, single submitter. Criteria: CeGaT Center For Human Genetics Tuebingen Variant Classification Criteria Version 2. Collection method: clinical testing. Allele origin: germline. Affected: yes. Observed: 1 variant allele.
Comment: RNU2-2: BS1